The following is an entry in ClinVar:

NM_004830.4(MED23):c.1833G>A (p.Arg611=)

Gene: MED23 (mediator complex subunit 23; minus strand). Cytogenetic location: 6q23.2.
Variant type: single nucleotide variant.
Coding change: c.1833G>A on transcript NM_004830.4 (MANE Select); coding-DNA position 1833, G replaced by A.
Protein change: p.Arg611=; no amino-acid change (arginine 611 retained).
Molecular consequence: synonymous variant.
Genome position (GRCh38, 1-based): chr6:131,603,128, C>T on the plus strand (G>A on the coding strand, the complement: MED23 is on the minus strand). VCF-style: chr6-131603128-C-T. GRCh37 (hg19) VCF-style: chr6-131924268-C-T.
Other names: c.1833G>A, p.Arg611= (NM_001270521.2, NM_001270522.2, NM_001376519.1 and 3 more transcripts); c.1851G>A, p.Arg617= (NM_001376517.1, NM_015979.4); c.1779G>A, p.Arg593= (NM_001376518.1); c.1692G>A, p.Arg564= (NM_001376520.1); c.1578G>A, p.Arg526= (NM_001376523.1).
Identifiers: ClinVar variation 1781337 (VCV001781337.9), dbSNP rs1374448208, ClinGen allele CA452156348.

ClinVar aggregate classification (germline): Likely benign. Review status: criteria provided, multiple submitters, no conflicts (2 of 4 stars). 2 submissions from 2 submitters: Likely benign (2). Last evaluated 2025-09-01.

Conditions:
Inborn genetic diseases. Identifiers: MedGen C0950123, MeSH D030342.

Allele frequency attached by ClinVar (database versions not stated): gnomAD 0.00001; gnomAD exomes 0.00001; TOPMed 0.00001.
gnomAD v4.1: 8 of 1,613,786 alleles (0.0005%); highest among the groups gnomAD compares: Admixed American, 0.012%; no homozygotes.

Submissions (2):

CeGaT Center for Human Genetics Tuebingen
Classification: Likely benign. Last evaluated: 2025-09-01. Review status: criteria provided, single submitter. Criteria: CeGaT Center For Human Genetics Tuebingen Variant Classification Criteria Version 2. Collection method: clinical testing. Allele origin: germline. Affected: yes. Observed: 1 variant allele.
Comment: MED23: BP4, BP7

Ambry Genetics
Classification: Likely benign for Inborn genetic diseases. Last evaluated: 2017-06-29. Review status: criteria provided, single submitter. Criteria: Ambry Variant Classification Scheme 2023. Collection method: clinical testing. Allele origin: germline.